The following is an entry in ClinVar:

ClinVar aggregate classification (germline): Uncertain significance (1 of 4 stars; one submission).

gnomAD v4.1: 22 of 1,612,530 alleles (0.0014%); highest among the groups gnomAD compares: Admixed American, 0.027%; no homozygotes.

Submission:

Labcorp Genetics (formerly Invitae), Labcorp
Classification: Uncertain significance. Last evaluated: 2025-10-13. Review status: criteria provided, single submitter. Criteria: Invitae Variant Classification Sherloc (09022015). Collection method: clinical testing. Allele origin: germline.
Comment: This sequence change replaces glycine, which is neutral and non-polar, with arginine, which is basic and polar, at codon 2 of the COL4A2 protein (p.Gly2Arg). This variant is present in population databases (rs752976373, gnomAD 0.02%). This variant has not been reported in the literature in individuals affected with COL4A2-related conditions. ClinVar contains an entry for this variant (Variation ID: 1431677). Invitae Evidence Modeling of protein sequence and biophysical properties (such as structural, functional, and spatial information, amino acid conservation, physicochemical variation, residue mobility, and thermodynamic stability) has been performed for this missense variant. However, the output from this modeling did not meet the statistical confidence thresholds required to predict the impact of this variant on COL4A2 protein function. In summary, the available evidence is currently insufficient to determine the role of this variant in disease. Therefore, it has been classified as a Variant of Uncertain Significance.

NM_001846.4(COL4A2):c.4G>C (p.Gly2Arg)

Gene: COL4A2 (collagen type IV alpha 2 chain; plus strand). Cytogenetic location: 13q34.
Variant type: single nucleotide variant.
Coding change: c.4G>C on transcript NM_001846.4 (MANE Select); coding-DNA position 4, G replaced by C.
Protein change: p.Gly2Arg; replaces glycine 2 with arginine.
Molecular consequence: missense variant.
Genome position (GRCh38, 1-based): chr13:110,307,907, G>C. VCF-style: chr13-110307907-G-C. GRCh37 (hg19) VCF-style: chr13-110960254-G-C.
Other names: short protein forms G2R.
Identifiers: ClinVar variation 1431677 (VCV001431677.6), dbSNP rs752976373, ClinGen allele CA7048710.
Genomic context (GRCh38, chr13:110,307,907, plus strand): 5'-CTGTCGCCTCTAGGCTAAGTGGGACTGACCGGGGCCCAGAGTGGACGAACCGCCAGCATG[G>C]GGAGAGACCAGCGCGCGGTGGCCGGCCCTGCCCTACGGCGGTAAGCGACTTTCTGCCTGG-3'
Protein context (NP_001837.2, residues 1-12): M[Gly2Arg]RDQRAVAGPA